The following is an entry in ClinVar:

ClinVar aggregate classification (germline): Uncertain significance (1 of 4 stars; one submission).

Conditions:
Split hand-foot malformation 1. Also called: Split-hand/foot malformation 1; SPLIT-HAND DEFORMITY; SPLIT-HAND/FOOT DEFORMITY 1; Split hand foot deformity 1; Split hand malformation1; Split hand deformity 1. Identifiers: Orphanet 2440, MedGen C2931019, MONDO:0008464, OMIM 183600.

Submission:

MVZ Medizinische Genetik Mainz
Classification: Uncertain significance for Split hand-foot malformation 1. Last evaluated: 2024-10-08. Review status: criteria provided, single submitter. Criteria: UK Practice Guidelines For Variant Classification V4 01 2020. Collection method: clinical testing. Allele origin: germline. Inheritance: Autosomal dominant inheritance. Affected: yes. Observed: 1 variant allele.
Comment: ACMG Criteria: PM4,PM2_SUP,PP4

NM_005221.6(DLX5):c.839del (p.Pro280fs)

Gene: DLX5 (distal-less homeobox 5; minus strand). Cytogenetic location: 7q21.3.
Variant type: Deletion.
Coding change: c.839del on transcript NM_005221.6 (MANE Select); coding-DNA position 839, one base deleted (C; older notation c.839delC).
Protein change: p.Pro280fs; shifts the reading frame from proline 280.
Molecular consequence: frameshift variant.
Genome position (GRCh38, 1-based): chr7:97,020,767, G deleted on the plus strand (C on the coding strand, the reverse complement: DLX5 is on the minus strand); the first of 3 consecutive G bases (chr7:97,020,767-97,020,769); deleting any one gives the same sequence. VCF-style (leftmost placement, unchanged base first): chr7-97020766-CG-C. GRCh37 (hg19) VCF-style: chr7-96650078-CG-C.
Other names: short protein forms P280fs.
Identifiers: ClinVar variation 3370334 (VCV003370334.1).
Genomic context (GRCh38, chr7:97,020,766, plus strand): 5'-CAAAAAAGAGAGTAAGAGAGAGCAGCCCATCTAATAGAGTGTCCCGGAGGCCAGCGCCAG[CG>C]GGTGCTGTAAGGAGCCCGGCGGCGGCAGGTGGGAATTGATTGAGCTGGCTGCACTTGTGT-3'